The following is an entry in ClinVar:

ClinVar aggregate classification (germline): Uncertain significance. Review status: criteria provided, single submitter (1 of 4 stars). 2 submissions from 2 submitters: Uncertain significance (1). 1 of the submissions does not count toward it. Last evaluated 2024-07-23.

Conditions:
Fanconi anemia (FA). Also called: Fanconi's anemia. Identifiers: Orphanet 84, MedGen C0015625, MeSH D005199, MONDO:0019391.

gnomAD v4.1: 3 of 1,611,412 alleles (0.00019%); highest among the groups gnomAD compares: South Asian, 0.0022%; no homozygotes.

Submissions (2):

Labcorp Genetics (formerly Invitae), Labcorp
Classification: Uncertain significance for Fanconi anemia. Last evaluated: 2024-07-23. Review status: criteria provided, single submitter. Criteria: Invitae Variant Classification Sherloc (09022015). Collection method: clinical testing. Allele origin: germline.
Comment: This sequence change replaces glutamic acid, which is acidic and polar, with lysine, which is basic and polar, at codon 1196 of the FANCA protein (p.Glu1196Lys). The frequency data for this variant in the population databases is considered unreliable, as metrics indicate poor data quality at this position in the gnomAD database. This variant has not been reported in the literature in individuals affected with FANCA-related conditions. Advanced modeling of protein sequence and biophysical properties (such as structural, functional, and spatial information, amino acid conservation, physicochemical variation, residue mobility, and thermodynamic stability) performed at Invitae indicates that this missense variant is not expected to disrupt FANCA protein function with a negative predictive value of 80%. In summary, the available evidence is currently insufficient to determine the role of this variant in disease. Therefore, it has been classified as a Variant of Uncertain Significance.

Natera, Inc.
Classification: Uncertain significance for Fanconi anemia. Last evaluated: 2025-01-02. Review status: no assertion criteria provided. Collection method: clinical testing. Allele origin: germline. Not counted in ClinVar's aggregate classification.

NM_000135.4(FANCA):c.3586G>A (p.Glu1196Lys)

Gene: FANCA (FA complementation group A; minus strand). Cytogenetic location: 16q24.3.
Variant type: single nucleotide variant.
Coding change: c.3586G>A on transcript NM_000135.4 (MANE Select); coding-DNA position 3586, G replaced by A.
Protein change: p.Glu1196Lys; replaces glutamic acid 1196 with lysine.
Molecular consequence: missense variant.
Genome position (GRCh38, 1-based): chr16:89,744,999, C>T on the plus strand (G>A on the coding strand, the complement: FANCA is on the minus strand). VCF-style: chr16-89744999-C-T. GRCh37 (hg19) VCF-style: chr16-89811407-C-T.
Other names: c.3586G>A (NM_000135.3); c.3586G>A, p.Glu1196Lys (NM_001286167.3); short protein forms E1196K.
Identifiers: ClinVar variation 3670930 (VCV003670930.3).